The following is an entry in ClinVar:

NM_001353108.3(CEP63):c.1154A>C (p.Asn385Thr)

Gene: CEP63 (centrosomal protein 63; plus strand). Cytogenetic location: 3q22.2.
Variant type: single nucleotide variant.
Coding change: c.1154A>C on transcript NM_001353108.3 (MANE Select); coding-DNA position 1154, A replaced by C.
Protein change: p.Asn385Thr; replaces asparagine 385 with threonine.
Molecular consequence: missense variant. On other transcripts: non-coding transcript variant (4).
Genome position (GRCh38, 1-based): chr3:134,549,148, A>C. VCF-style: chr3-134549148-A-C. GRCh37 (hg19) VCF-style: chr3-134267990-A-C.
Other names: c.1016A>C, p.Asn339Thr (NM_001042383.2, NM_001042384.2, NM_001353109.1 and 6 more transcripts); c.1154A>C, p.Asn385Thr (NM_001042400.3, NM_001353110.1, NM_001353111.2 and 4 more transcripts); c.1043A>C, p.Asn348Thr (NM_001353118.1); c.932A>C, p.Asn311Thr (NM_001353125.2); c.653A>C, p.Asn218Thr (NM_001353126.2); short protein forms N218T, N311T, N339T, N348T, N385T.
Identifiers: ClinVar variation 2633875 (VCV002633875.1), dbSNP rs2547014886, ClinGen allele CA354629854.

ClinVar aggregate classification (germline): Uncertain significance (1 of 4 stars; one submission).

Conditions:
CEP63-related disorder. Also called: CEP63-related condition.

Submission:

PreventionGenetics, part of Exact Sciences
Classification: Uncertain significance for CEP63-related condition. Last evaluated: 2023-03-11. Review status: criteria provided, single submitter. Criteria: ACMG Guidelines, 2015. Collection method: clinical testing. Allele origin: germline.
Comment: The CEP63 c.1154A>C variant is predicted to result in the amino acid substitution p.Asn385Thr. To our knowledge, this variant has not been reported in the literature or in a large population database, indicating this variant is rare. At this time, the clinical significance of this variant is uncertain due to the absence of conclusive functional and genetic evidence.